The following is an entry in ClinVar:

ClinVar aggregate classification (germline): Uncertain significance (1 of 4 stars; one submission).

Submission:

GeneDx
Classification: Uncertain significance. Last evaluated: 2025-07-15. Review status: criteria provided, single submitter. Criteria: GeneDx Variant Classification Process June 2021. Collection method: clinical testing. Allele origin: germline. Affected: yes.
Comment: Not observed at significant frequency in large population cohorts (gnomAD); In silico analysis supports that this missense variant has a deleterious effect on protein structure/function; Has not been previously published as pathogenic or benign to our knowledge

NM_031407.7(HUWE1):c.11587T>C (p.Cys3863Arg)

Gene: HUWE1 (HECT, UBA and WWE domain containing E3 ubiquitin protein ligase 1; minus strand). Cytogenetic location: Xp11.22.
Variant type: single nucleotide variant.
Coding change: c.11587T>C on transcript NM_031407.7 (MANE Select); coding-DNA position 11587, T replaced by C.
Protein change: p.Cys3863Arg; replaces cysteine 3863 with arginine.
Molecular consequence: missense variant.
Genome position (GRCh38, 1-based): chrX:53,539,702, A>G on the plus strand (T>C on the coding strand, the complement: HUWE1 is on the minus strand). VCF-style: chrX-53539702-A-G. GRCh37 (hg19) VCF-style: chrX-53566663-A-G.
Other names: c.11539T>C, p.Cys3847Arg (NM_001441048.1, NM_001441053.1, NM_001441058.1); c.11542T>C, p.Cys3848Arg (NM_001441049.1, NM_001441054.1); c.11563T>C, p.Cys3855Arg (NM_001441050.1, NM_001441055.1); c.11584T>C, p.Cys3862Arg (NM_001441051.1, NM_001441056.1); c.11185T>C, p.Cys3729Arg (NM_001441052.1); c.11587T>C, p.Cys3863Arg (NM_001441057.1); short protein forms C3729R, C3847R, C3848R, C3855R, C3862R, C3863R.
Identifiers: ClinVar variation 4686307 (VCV004686307.1).